The following is an entry in ClinVar:

NM_014712.3(SETD1A):c.4255A>T (p.Ser1419Cys)

Gene: SETD1A (SET domain containing 1A, histone lysine methyltransferase; plus strand). Cytogenetic location: 16p11.2.
Variant type: single nucleotide variant.
Coding change: c.4255A>T on transcript NM_014712.3 (MANE Select); coding-DNA position 4255, A replaced by T.
Protein change: p.Ser1419Cys; replaces serine 1419 with cysteine.
Molecular consequence: missense variant.
Genome position (GRCh38, 1-based): chr16:30,980,041, A>T. VCF-style: chr16-30980041-A-T. GRCh37 (hg19) VCF-style: chr16-30991362-A-T.
Other names: short protein forms S1419C.
Identifiers: ClinVar variation 3392898 (VCV003392898.1).
Genomic context (GRCh38, chr16:30,980,041, plus strand): 5'-CGGCGCCGCCGCCCTCCGCCCCCACCCCCGCCGCCACCGCCCCGCGCCTACGAGCCACGC[A>T]GTGAGTTTGAACAGATGACCATCCTGTATGACATTTGGAACTCGGGCCTGGACTCAGAGG-3'
Protein context (NP_055527.1, residues 1409-1429): PPPPRAYEPR[Ser1419Cys]EFEQMTILYD

ClinVar aggregate classification (germline): Uncertain significance (1 of 4 stars; one submission).

Submission:

GeneDx
Classification: Uncertain significance. Last evaluated: 2024-06-26. Review status: criteria provided, single submitter. Criteria: GeneDx Variant Classification Process June 2021. Collection method: clinical testing. Allele origin: germline. Affected: yes.
Comment: Not observed at significant frequency in large population cohorts (gnomAD); In silico analysis supports that this missense variant has a deleterious effect on protein structure/function; Has not been previously published as pathogenic or benign to our knowledge